The following is an entry in ClinVar:

NM_001371986.1(UNC80):c.5858C>A (p.Ser1953Ter)

Gene: UNC80 (unc-80 subunit of NALCN channel complex; plus strand). Cytogenetic location: 2q34.
Variant type: single nucleotide variant.
Coding change: c.5858C>A on transcript NM_001371986.1 (MANE Select); coding-DNA position 5858, C replaced by A.
Protein change: p.Ser1953Ter; replaces serine 1953 with a stop codon.
Molecular consequence: nonsense.
Genome position (GRCh38, 1-based): chr2:209,929,922, C>A. VCF-style: chr2-209929922-C-A. GRCh37 (hg19) VCF-style: chr2-210794646-C-A.
Other names: c.5660C>A, p.Ser1887Ter (NM_032504.2); c.5645C>A, p.Ser1882Ter (NM_182587.4); short protein forms S1887*, S1882*, S1953*.
Identifiers: ClinVar variation 4730810 (VCV004730810.1).
Genomic context (GRCh38, chr2:209,929,922, plus strand): 5'-CTTCTGAAGTGAGTGCTGTGGCTCAACAAGTCTTATGGAACTGTCTAATTGAAGATCCAT[C>A]AACGGTTCTTCGACATTTTCTGGAAAAACTGACCATCAGCAATAGACAAGTAAATTCCTC-3'

ClinVar aggregate classification (germline): Pathogenic (1 of 4 stars; one submission).

Submission:

Labcorp Genetics (formerly Invitae), Labcorp
Classification: Pathogenic. Last evaluated: 2025-11-09. Review status: criteria provided, single submitter. Criteria: Invitae Variant Classification Sherloc (09022015). Collection method: clinical testing. Allele origin: germline.
Comment: This sequence change creates a premature translational stop signal (p.Ser1887*) in the UNC80 gene. It is expected to result in an absent or disrupted protein product. Loss-of-function variants in UNC80 are known to be pathogenic (PMID: 26545877, 26708751, 26708753). This variant is not present in population databases (gnomAD no frequency). This variant has not been reported in the literature in individuals affected with UNC80-related conditions. Algorithms developed to predict the effect of sequence changes on RNA splicing suggest that this variant may disrupt the consensus splice site. For these reasons, this variant has been classified as Pathogenic.

Literature cited by the submitters: PubMed 26545877; PubMed 26708751; PubMed 26708753.